The following is an entry in ClinVar:

ClinVar aggregate classification (germline): Uncertain significance (1 of 4 stars; one submission).

Allele frequency attached by ClinVar (database versions not stated): TOPMed below 0.00001; gnomAD 0.00001.
gnomAD v4.1: 8 of 1,614,034 alleles (0.0005%); highest among the groups gnomAD compares: Admixed American, 0.0017%; no homozygotes.

Submission:

Labcorp Genetics (formerly Invitae), Labcorp
Classification: Uncertain significance. Last evaluated: 2021-11-28. Review status: criteria provided, single submitter. Criteria: Invitae Variant Classification Sherloc (09022015). Collection method: clinical testing. Allele origin: germline.
Comment: In summary, the available evidence is currently insufficient to determine the role of this variant in disease. Therefore, it has been classified as a Variant of Uncertain Significance. Algorithms developed to predict the effect of missense changes on protein structure and function are either unavailable or do not agree on the potential impact of this missense change (SIFT: "Deleterious"; PolyPhen-2: "Benign"; Align-GVGD: "Class C0"). This variant has not been reported in the literature in individuals affected with SLC25A3-related conditions. This variant is present in population databases (no rsID available, gnomAD 0.007%). This sequence change replaces arginine, which is basic and polar, with histidine, which is basic and polar, at codon 254 of the SLC25A3 protein (p.Arg254His).

NM_002635.4(SLC25A3):c.758G>A (p.Arg253His)

Gene: SLC25A3 (solute carrier family 25 member 3; plus strand). Cytogenetic location: 12q23.1.
Variant type: single nucleotide variant.
Coding change: c.758G>A on transcript NM_002635.4 (MANE Select); coding-DNA position 758, G replaced by A.
Protein change: p.Arg253His; replaces arginine 253 with histidine.
Molecular consequence: missense variant.
Genome position (GRCh38, 1-based): chr12:98,600,071, G>A. VCF-style: chr12-98600071-G-A. GRCh37 (hg19) VCF-style: chr12-98993849-G-A.
Other names: c.761G>A, p.Arg254His (NM_005888.4); c.758G>A, p.Arg253His (NM_213611.3); short protein forms R253H, R254H.
Identifiers: ClinVar variation 1399056 (VCV001399056.6), dbSNP rs1169669937, ClinGen allele CA386168558.
Genomic context (GRCh38, chr12:98,600,071, plus strand): 5'-AGTTCGCCTGCTTTGAACGTACTGTTGAAGCACTGTACAAGTTTGTGGTTCCTAAGCCCC[G>A]CAGTGAATGTTCAAAGCCAGAGCAGCTGGTTGTAACATTTGTAGCAGGTTACATAGGTAC-3'
Protein context (NP_002626.1, residues 243-263): ALYKFVVPKP[Arg253His]SECSKPEQLV